The following is an entry in ClinVar:

NM_001267550.2(TTN):c.59926+4A>G

Genes: TTN (titin; minus strand), TTN-AS1 (TTN antisense RNA 1; plus strand), LOC126806424 (CDK7 strongly-dependent group 2 enhancer GRCh37_chr2:179456337-179457536; plus strand). Cytogenetic location: 2q31.2.
Variant type: single nucleotide variant.
Coding change: c.59926+4A>G on transcript NM_001267550.2 (MANE Select); 4 bases into the intron after coding-DNA position 59926, A replaced by G.
Molecular consequence: intron variant.
Genome position (GRCh38, 1-based): chr2:178,591,974, T>C on the plus strand (A>G on the coding strand, the complement: TTN is on the minus strand). VCF-style: chr2-178591974-T-C. GRCh37 (hg19) VCF-style: chr2-179456701-T-C.
Other names: c.32731+4A>G (NM_003319.4); c.33307+4A>G (NM_133437.4); c.33106+4A>G (NM_133432.3); c.52222+4A>G (NM_133378.4); c.55003+4A>G (NM_001256850.1).
Identifiers: ClinVar variation 1310611 (VCV001310611.3), dbSNP rs2154185312, ClinGen allele CA2573051783.

ClinVar aggregate classification (germline): Uncertain significance (1 of 4 stars; one submission).

Submission:

GeneDx
Classification: Uncertain significance. Last evaluated: 2026-08-06. Review status: criteria provided, single submitter. Criteria: GeneDx Variant Classification Process June 2021. Collection method: clinical testing. Allele origin: germline.
Comment: Has not been previously published as pathogenic or benign to our knowledge; Not observed at significant frequency in large population cohorts (gnomAD); In silico analysis suggests that this variant does not alter splicing